The following is an entry in ClinVar:

ClinVar aggregate classification (germline): Uncertain significance. Review status: criteria provided, multiple submitters, no conflicts (2 of 4 stars). 2 submissions from 2 submitters: Uncertain significance (2). Last evaluated 2025-11-12.

Allele frequency attached by ClinVar (database versions not stated): TOPMed 0.00002; ExAC 0.00003; ESP Exome Variant Server 0.00008; gnomAD 0.00004.
gnomAD v4.1: 20 of 1,614,042 alleles (0.0012%); highest among the groups gnomAD compares: Middle Eastern, 0.016%; no homozygotes.

Submissions (2):

Ambry Genetics
Classification: Uncertain significance. Last evaluated: 2025-11-12. Review status: criteria provided, single submitter. Criteria: Ambry Variant Classification Scheme 2023. Collection method: clinical testing. Allele origin: germline.

Labcorp Genetics (formerly Invitae), Labcorp
Classification: Uncertain significance. Last evaluated: 2023-12-07. Review status: criteria provided, single submitter. Criteria: Invitae Variant Classification Sherloc (09022015). Collection method: clinical testing. Allele origin: germline.
Comment: This sequence change replaces valine, which is neutral and non-polar, with isoleucine, which is neutral and non-polar, at codon 1031 of the ATP2B2 protein (p.Val1031Ile). This variant is present in population databases (rs149035567, gnomAD 0.005%). This variant has not been reported in the literature in individuals affected with ATP2B2-related conditions. ClinVar contains an entry for this variant (Variation ID: 2047572). Advanced modeling of protein sequence and biophysical properties (such as structural, functional, and spatial information, amino acid conservation, physicochemical variation, residue mobility, and thermodynamic stability) performed at Invitae indicates that this missense variant is not expected to disrupt ATP2B2 protein function with a negative predictive value of 80%. In summary, the available evidence is currently insufficient to determine the role of this variant in disease. Therefore, it has been classified as a Variant of Uncertain Significance.

NM_001001331.4(ATP2B2):c.3226G>A (p.Val1076Ile)

Gene: ATP2B2 (ATPase plasma membrane Ca2+ transporting 2; minus strand). Cytogenetic location: 3p25.3.
Variant type: single nucleotide variant.
Coding change: c.3226G>A on transcript NM_001001331.4 (MANE Select); coding-DNA position 3226, G replaced by A.
Protein change: p.Val1076Ile; replaces valine 1076 with isoleucine.
Molecular consequence: missense variant.
Genome position (GRCh38, 1-based): chr3:10,340,253, C>T on the plus strand (G>A on the coding strand, the complement: ATP2B2 is on the minus strand). VCF-style: chr3-10340253-C-T. GRCh37 (hg19) VCF-style: chr3-10381937-C-T.
Other names: c.3091G>A, p.Val1031Ile (NM_001330611.3, NM_001353564.1, NM_001363862.1 and 1 more transcripts); short protein forms V1076I, V1031I.
Identifiers: ClinVar variation 2047572 (VCV002047572.6), dbSNP rs149035567, ClinGen allele CA2253163.